The following is an entry in ClinVar:

NM_001040108.2(MLH3):c.2735G>C (p.Cys912Ser)

Gene: MLH3 (mutL homolog 3; minus strand). Cytogenetic location: 14q24.3.
Variant type: single nucleotide variant.
Coding change: c.2735G>C on transcript NM_001040108.2 (MANE Select); coding-DNA position 2735, G replaced by C.
Protein change: p.Cys912Ser; replaces cysteine 912 with serine.
Molecular consequence: missense variant.
Genome position (GRCh38, 1-based): chr14:75,046,921, C>G on the plus strand (G>C on the coding strand, the complement: MLH3 is on the minus strand). VCF-style: chr14-75046921-C-G. GRCh37 (hg19) VCF-style: chr14-75513624-C-G.
Other names: c.2735G>C, p.Cys912Ser (NM_014381.3); short protein forms C912S.
Identifiers: ClinVar variation 1795330 (VCV001795330.3), dbSNP rs2139556632, ClinGen allele CA390438783.

ClinVar aggregate classification (germline): Uncertain significance (1 of 4 stars; one submission).

Submission:

Ambry Genetics
Classification: Uncertain significance. Last evaluated: 2022-04-19. Review status: criteria provided, single submitter. Criteria: Ambry Variant Classification Scheme 2023. Collection method: clinical testing. Allele origin: germline.
Comment: The p.C912S variant (also known as c.2735G>C), located in coding exon 1 of the MLH3 gene, results from a G to C substitution at nucleotide position 2735. The cysteine at codon 912 is replaced by serine, an amino acid with dissimilar properties. This amino acid position is conserved. In addition, this alteration is predicted to be tolerated by in silico analysis. Since supporting evidence is limited at this time, the clinical significance of this alteration remains unclear.